The following is an entry in ClinVar:

NM_000843.4(GRM6):c.1933C>G (p.Pro645Ala)

Genes: GRM6 (glutamate metabotropic receptor 6; minus strand), ZNF454 (zinc finger protein 454; plus strand). Cytogenetic location: 5q35.3.
Variant type: single nucleotide variant.
Coding change: c.1933C>G on transcript NM_000843.4 (MANE Select); coding-DNA position 1933, C replaced by G.
Protein change: p.Pro645Ala; replaces proline 645 with alanine.
Molecular consequence: missense variant.
Genome position (GRCh38, 1-based): chr5:178,986,321, G>C on the plus strand (C>G on the coding strand, the complement: GRM6 is on the minus strand). VCF-style: chr5-178986321-G-C. GRCh37 (hg19) VCF-style: chr5-178413322-G-C.
Other names: short protein forms P645A.
Identifiers: ClinVar variation 1010906 (VCV001010906.10), dbSNP rs770999383, ClinGen allele CA362426053.

ClinVar aggregate classification (germline): Uncertain significance (1 of 4 stars; one submission).

Submission:

Labcorp Genetics (formerly Invitae), Labcorp
Classification: Uncertain significance. Last evaluated: 2025-01-27. Review status: criteria provided, single submitter. Criteria: Invitae Variant Classification Sherloc (09022015). Collection method: clinical testing. Allele origin: germline.
Comment: This sequence change replaces proline, which is neutral and non-polar, with alanine, which is neutral and non-polar, at codon 645 of the GRM6 protein (p.Pro645Ala). This variant is not present in population databases (gnomAD no frequency). This variant has not been reported in the literature in individuals affected with GRM6-related conditions. ClinVar contains an entry for this variant (Variation ID: 1010906). Invitae Evidence Modeling of protein sequence and biophysical properties (such as structural, functional, and spatial information, amino acid conservation, physicochemical variation, residue mobility, and thermodynamic stability) has been performed for this missense variant. However, the output from this modeling did not meet the statistical confidence thresholds required to predict the impact of this variant on GRM6 protein function. In summary, the available evidence is currently insufficient to determine the role of this variant in disease. Therefore, it has been classified as a Variant of Uncertain Significance.